The following is an entry in ClinVar:

ClinVar aggregate classification (germline): Uncertain significance. Review status: criteria provided, multiple submitters, no conflicts (2 of 4 stars). 3 submissions from 3 submitters: Uncertain significance (3). Last evaluated 2026-08-21.

Conditions:
DHCR7-related disorder. Also called: DHCR7-related condition.
Smith-Lemli-Opitz syndrome (SLOS). Also called: LETHAL ACRODYSGENITAL SYNDROME; POLYDACTYLY, SEX REVERSAL, RENAL HYPOPLASIA, AND UNILOBAR LUNG; RSH SYNDROME; RUTLEDGE LETHAL MULTIPLE CONGENITAL ANOMALY SYNDROME; 7-Dehydrocholesterol reductase deficiency. Identifiers: Orphanet 818, MedGen C0175694, MONDO:0010035, OMIM 270400.

Allele frequency attached by ClinVar (database versions not stated): ExAC 0.00001; gnomAD 0.00001; gnomAD exomes 0.00001; TOPMed 0.00006.
gnomAD v4.1: 15 of 1,612,690 alleles (0.00093%); highest among the groups gnomAD compares: African/African-American, 0.0053%; no homozygotes.

Submissions (3):

PreventionGenetics, part of Exact Sciences
Classification: Uncertain significance for DHCR7-related condition. Last evaluated: 2026-08-21. Review status: criteria provided, single submitter. Criteria: ACMG Guidelines, 2015. Collection method: clinical testing. Allele origin: germline.
Comment: The DHCR7 c.1153G>A variant is predicted to result in the amino acid substitution p.Ala385Thr. To our knowledge, this variant has not been reported in the literature. This variant is reported in 0.0058% of alleles in individuals of Latino descent in gnomAD. At this time, the clinical significance of this variant is uncertain due to the absence of conclusive functional and genetic evidence.

Fulgent Genetics
Classification: Uncertain significance for Smith-Lemli-Opitz syndrome. Last evaluated: 2024-05-20. Review status: criteria provided, single submitter. Criteria: ACMG Guidelines, 2015. Collection method: clinical testing. Allele origin: germline.

Eurofins Ntd Llc (ga)
Classification: Uncertain significance. Last evaluated: 2018-07-27. Review status: criteria provided, single submitter. Criteria: EGL ClinVar v180209 classification definitions. Collection method: clinical testing. Allele origin: germline. Observed: 1 variant allele, 1 heterozygote.

NM_001360.3(DHCR7):c.1153G>A (p.Ala385Thr)

Gene: DHCR7 (7-dehydrocholesterol reductase; minus strand). Cytogenetic location: 11q13.4.
Variant type: single nucleotide variant.
Coding change: c.1153G>A on transcript NM_001360.3 (MANE Select); coding-DNA position 1153, G replaced by A.
Protein change: p.Ala385Thr; replaces alanine 385 with threonine.
Molecular consequence: missense variant.
Genome position (GRCh38, 1-based): chr11:71,435,650, C>T on the plus strand (G>A on the coding strand, the complement: DHCR7 is on the minus strand). VCF-style: chr11-71435650-C-T. GRCh37 (hg19) VCF-style: chr11-71146696-C-T.
Other names: c.1153G>A (NM_001360.2); c.1153G>A, p.Ala385Thr (NM_001163817.2); short protein forms A385T.
Identifiers: ClinVar variation 598179 (VCV000598179.8), dbSNP rs750989470, ClinGen allele CA6162299.